The following is an entry in ClinVar:

ClinVar aggregate classification (germline): Likely benign (0 of 4 stars; one submission).

Conditions:
ALG8-related disorder.

gnomAD v4.1: 34 of 1,596,242 alleles (0.0021%); highest among the groups gnomAD compares: Middle Eastern, 0.017%; no homozygotes.

Submission:

PreventionGenetics, part of Exact Sciences
Classification: Likely benign for ALG8-related condition. Last evaluated: 2024-02-21. Review status: no assertion criteria provided. Collection method: clinical testing. Allele origin: germline.
Comment: This variant is classified as likely benign based on ACMG/AMP sequence variant interpretation guidelines (Richards et al. 2015 PMID: 25741868, with internal and published modifications).

NM_024079.5(ALG8):c.1212G>A (p.Ser404=)

Gene: ALG8 (ALG8 alpha-1,3-glucosyltransferase; minus strand). Cytogenetic location: 11q14.1.
Variant type: single nucleotide variant.
Coding change: c.1212G>A on transcript NM_024079.5 (MANE Select); coding-DNA position 1212, G replaced by A.
Protein change: p.Ser404=; no amino-acid change (serine 404 retained).
Molecular consequence: synonymous variant.
Genome position (GRCh38, 1-based): chr11:78,104,420, C>T on the plus strand (G>A on the coding strand, the complement: ALG8 is on the minus strand). VCF-style: chr11-78104420-C-T. GRCh37 (hg19) VCF-style: chr11-77815466-C-T.
Other names: c.1212G>A, p.Ser404= (NM_001007027.3, NM_001425222.1, NM_001425229.1 and 2 more transcripts); c.1215G>A, p.Ser405= (NM_001425219.1); c.1197G>A, p.Ser399= (NM_001425220.1); c.1137G>A, p.Ser379= (NM_001425221.1); c.1206G>A, p.Ser402= (NM_001425223.1); c.1305G>A, p.Ser435= (NM_001425224.1); c.1260G>A, p.Ser420= (NM_001425225.1); c.1059G>A, p.Ser353= (NM_001425226.1, NM_001425236.1); and 9 more.
Identifiers: ClinVar variation 3032354 (VCV003032354.2), dbSNP rs200575151, ClinGen allele CA224904007.
Genomic context (GRCh38, chr11:78,104,420, plus strand): 5'-TGCAGTGAAGAGCAGAGGAAAGAGGGAATAATGTCCTGTTGTGGTCAGAATCAGAAAAAT[C>T]GAAGCGTCTCCTGCTTTTCCCACAGACAAAAGGCTAAAAATAAAAATAATTTCTTAAAAC-3'
Protein context (NP_076984.2, residues 394-414): LLSVGKAGDA[Ser404=]IFLILTTTGH